The following is an entry in ClinVar:

NC_000016.9:g.(?_89845189)_(89851392_?)del

Gene: FANCA (FA complementation group A; minus strand). Cytogenetic location: 16q24.3.
Variant type: Deletion.
Identifiers: ClinVar variation 3243249 (VCV003243249.1).

ClinVar aggregate classification (germline): Pathogenic (1 of 4 stars; one submission).

Conditions:
Fanconi anemia (FA). Also called: Fanconi's anemia. Identifiers: Orphanet 84, MedGen C0015625, MeSH D005199, MONDO:0019391.

Submission:

Labcorp Genetics (formerly Invitae), Labcorp
Classification: Pathogenic for Fanconi anemia. Last evaluated: 2023-11-02. Review status: criteria provided, single submitter. Criteria: Invitae Variant Classification Sherloc (09022015). Collection method: clinical testing. Allele origin: unknown.
Comment: This variant is a gross deletion of the genomic region encompassing exon(s) 15-20 of the FANCA gene. This deletion is out-of-frame, and is expected to create a premature termination codon and result in an absent or disrupted protein product. Loss-of-function variants in FANCA are known to be pathogenic (PMID: 19367192). A similar copy number variant has been observed in individual(s) with Fanconi anemia (PMID: 24584348). For these reasons, this variant has been classified as Pathogenic.

Literature cited by the submitters: PubMed 19367192; PubMed 24584348.